The following is an entry in ClinVar:

ClinVar aggregate classification (germline): Pathogenic. Review status: criteria provided, multiple submitters, no conflicts (2 of 4 stars). 2 submissions from 2 submitters: Pathogenic (2). Last evaluated 2023-09-07.

Conditions:
Familial cancer of breast. Also called: Hereditary breast cancer; BREAST CANCER, FAMILIAL; hereditary breast carcinoma. Identifiers: Orphanet 227535, MedGen C0346153, MONDO:0016419, OMIM 114480. Disease mechanism: loss of function.

Submissions (2):

Myriad Genetics, Inc.
Classification: Pathogenic for Familial cancer of breast. Last evaluated: 2023-09-07. Review status: criteria provided, single submitter. Criteria: Myriad Autosomal Dominant, Autosomal Recessive and X-Linked Classification Criteria (2023). Collection method: clinical testing. Allele origin: unknown.
Comment: This variant is considered pathogenic. This variant creates a frameshift predicted to result in premature protein truncation.

Labcorp Genetics (formerly Invitae), Labcorp
Classification: Pathogenic for Familial cancer of breast. Last evaluated: 2023-05-02. Review status: criteria provided, single submitter. Criteria: Invitae Variant Classification Sherloc (09022015). Collection method: clinical testing. Allele origin: germline.
Comment: For these reasons, this variant has been classified as Pathogenic. This variant has not been reported in the literature in individuals affected with PALB2-related conditions. This variant is not present in population databases (gnomAD no frequency). This sequence change creates a premature translational stop signal (p.Leu315Glnfs*5) in the PALB2 gene. It is expected to result in an absent or disrupted protein product. Loss-of-function variants in PALB2 are known to be pathogenic (PMID: 17200668, 17200671, 17200672, 24136930, 25099575).

Literature cited by the submitters: PubMed 17200668 (cited by Labcorp Genetics (formerly Invitae), Labcorp); PubMed 17200671 (cited by Labcorp Genetics (formerly Invitae), Labcorp); PubMed 17200672 (cited by Labcorp Genetics (formerly Invitae), Labcorp); PubMed 24136930 (cited by Labcorp Genetics (formerly Invitae), Labcorp); PubMed 25099575 (cited by Labcorp Genetics (formerly Invitae), Labcorp).

NM_024675.4(PALB2):c.944_950del (p.Leu315fs)

Gene: PALB2 (partner and localizer of BRCA2; minus strand). Cytogenetic location: 16p12.2.
Variant type: Deletion.
Coding change: c.944_950del on transcript NM_024675.4 (MANE Select); coding-DNA positions 944 to 950, 7 bases deleted (TGCCCAC; older notation c.944_950delTGCCCAC).
Protein change: p.Leu315fs; shifts the reading frame from leucine 315.
Molecular consequence: frameshift variant. On other transcripts: intron variant (3).
Genome position (GRCh38, 1-based): chr16:23,635,596-23,635,602, GTGGGCA deleted on the plus strand (TGCCCAC on the coding strand, the reverse complement: PALB2 is on the minus strand); deleting any 7 consecutive bases within chr16:23,635,596-23,635,604 gives the same sequence; the c. name uses the placement nearest the transcript's 3' end. VCF-style (leftmost placement, unchanged base first): chr16-23635595-TGTGGGCA-T. GRCh37 (hg19) VCF-style: chr16-23646916-TGTGGGCA-T.
Other names: c.884_890del, p.Leu295fs (NM_001407296.1); c.944_950del, p.Leu315fs (NM_001407297.1, NM_001407298.1, NM_001407299.1 and 3 more transcripts); c.59_65del, p.Leu20fs (NM_001407304.1, NM_001407305.1, NM_001407306.1 and 5 more transcripts); c.48+5508_48+5514del (NM_001407314.1); c.-104-5133_-104-5127del (NM_001407313.1, NM_001407312.1); short protein forms L20fs, L295fs, L315fs.
Identifiers: ClinVar variation 2674140 (VCV002674140.4), dbSNP rs2506494522, ClinGen allele CA2695197523.